The following is an entry in ClinVar:

NM_014314.4(RIGI):c.1602T>G (p.Ile534Met)

Gene: RIGI (RNA sensor RIG-I; minus strand). Cytogenetic location: 9p21.1.
Variant type: single nucleotide variant.
Coding change: c.1602T>G on transcript NM_014314.4 (MANE Select); coding-DNA position 1602, T replaced by G.
Protein change: p.Ile534Met; replaces isoleucine 534 with methionine.
Molecular consequence: missense variant.
Genome position (GRCh38, 1-based): chr9:32,481,376, A>C on the plus strand (T>G on the coding strand, the complement: RIGI is on the minus strand). VCF-style: chr9-32481376-A-C. GRCh37 (hg19) VCF-style: chr9-32481374-A-C.
Other names: c.1596T>G, p.Ile532Met (NM_001385907.1); c.1602T>G, p.Ile534Met (NM_001385909.1); c.1161T>G, p.Ile387Met (NM_001385910.1); c.993T>G, p.Ile331Met (NM_001385912.1); c.1587T>G, p.Ile529Met (NM_001385913.1); c.1158T>G, p.Ile386Met (NM_001385914.1); short protein forms I386M, I529M, I534M, I331M, I532M, I387M.
Identifiers: ClinVar variation 2099961 (VCV002099961.4), dbSNP rs778379554, ClinGen allele CA5019752.

ClinVar aggregate classification (germline): Uncertain significance (1 of 4 stars; one submission).

Allele frequency attached by ClinVar (database versions not stated): gnomAD exomes below 0.00001; ExAC 0.00002.
gnomAD v4.1: 5 of 1,613,924 alleles (0.00031%); highest among the groups gnomAD compares: Admixed American, 0.0017%; no homozygotes.

Submission:

Labcorp Genetics (formerly Invitae), Labcorp
Classification: Uncertain significance. Last evaluated: 2022-11-22. Review status: criteria provided, single submitter. Criteria: Invitae Variant Classification Sherloc (09022015). Collection method: clinical testing. Allele origin: germline.
Comment: This variant has not been reported in the literature in individuals affected with DDX58-related conditions. This sequence change replaces isoleucine, which is neutral and non-polar, with methionine, which is neutral and non-polar, at codon 534 of the DDX58 protein (p.Ile534Met). This variant is present in population databases (rs778379554, gnomAD 0.002%). Advanced modeling of protein sequence and biophysical properties (such as structural, functional, and spatial information, amino acid conservation, physicochemical variation, residue mobility, and thermodynamic stability) performed at Invitae indicates that this missense variant is not expected to disrupt DDX58 protein function. In summary, the available evidence is currently insufficient to determine the role of this variant in disease. Therefore, it has been classified as a Variant of Uncertain Significance.